The following is an entry in ClinVar:

ClinVar aggregate classification (germline): Uncertain significance. Review status: criteria provided, multiple submitters, no conflicts (2 of 4 stars). 2 submissions from 2 submitters: Uncertain significance (2). Last evaluated 2025-04-12.

Conditions:
Gorlin syndrome. Also called: Nevoid Basal Cell Carcinoma Syndrome; Basal cell nevus syndrome. Identifiers: Orphanet 377, MedGen C0004779, MONDO:0007187.

Allele frequency attached by ClinVar (database versions not stated): TOPMed 0.00002; gnomAD 0.00003.
gnomAD v4.1: 9 of 1,614,080 alleles (0.00056%); highest among the groups gnomAD compares: African/African-American, 0.008%; no homozygotes.

Submissions (2):

Ambry Genetics
Classification: Uncertain significance. Last evaluated: 2025-04-12. Review status: criteria provided, single submitter. Criteria: Ambry Variant Classification Scheme 2023. Collection method: clinical testing. Allele origin: germline.

Labcorp Genetics (formerly Invitae), Labcorp
Classification: Uncertain significance for Gorlin syndrome. Last evaluated: 2020-08-20. Review status: criteria provided, single submitter. Criteria: Invitae Variant Classification Sherloc (09022015). Collection method: clinical testing. Allele origin: germline.
Comment: This variant is not present in population databases (ExAC no frequency). This sequence change replaces glutamic acid with lysine at codon 651 of the PTCH2 protein (p.Glu651Lys). The glutamic acid residue is weakly conserved and there is a small physicochemical difference between glutamic acid and lysine. This variant has not been reported in the literature in individuals with PTCH2-related conditions. In summary, the available evidence is currently insufficient to determine the role of this variant in disease. Therefore, it has been classified as a Variant of Uncertain Significance. Algorithms developed to predict the effect of missense changes on protein structure and function (SIFT, PolyPhen-2, Align-GVGD) all suggest that this variant is likely to be tolerated, but these predictions have not been confirmed by published functional studies and their clinical significance is uncertain.

NM_003738.5(PTCH2):c.1951G>A (p.Glu651Lys)

Gene: PTCH2 (patched 2; minus strand). Cytogenetic location: 1p34.1.
Variant type: single nucleotide variant.
Coding change: c.1951G>A on transcript NM_003738.5 (MANE Select); coding-DNA position 1951, G replaced by A.
Protein change: p.Glu651Lys; replaces glutamic acid 651 with lysine.
Molecular consequence: missense variant.
Genome position (GRCh38, 1-based): chr1:44,827,950, C>T on the plus strand (G>A on the coding strand, the complement: PTCH2 is on the minus strand). VCF-style: chr1-44827950-C-T. GRCh37 (hg19) VCF-style: chr1-45293622-C-T.
Other names: c.1951G>A, p.Glu651Lys (NM_001166292.2); c.1951G>A (NM_003738.4); short protein forms E651K.
Identifiers: ClinVar variation 1009691 (VCV001009691.10), dbSNP rs866056830, ClinGen allele CA21745116.